The following is an entry in ClinVar:

NM_207111.4(RNF216):c.545A>T (p.Glu182Val)

Gene: RNF216 (ring finger protein 216; minus strand). Cytogenetic location: 7p22.1.
Variant type: single nucleotide variant.
Coding change: c.545A>T on transcript NM_207111.4 (MANE Select); coding-DNA position 545, A replaced by T.
Protein change: p.Glu182Val; replaces glutamic acid 182 with valine.
Molecular consequence: missense variant.
Genome position (GRCh38, 1-based): chr7:5,741,472, T>A on the plus strand (A>T on the coding strand, the complement: RNF216 is on the minus strand). VCF-style: chr7-5741472-T-A. GRCh37 (hg19) VCF-style: chr7-5781103-T-A.
Other names: c.374A>T, p.Glu125Val (NM_001377156.1, NM_207116.3); short protein forms E125V, E182V.
Identifiers: ClinVar variation 2486179 (VCV002486179.4), dbSNP rs1197718825, ClinGen allele CA366735903.

ClinVar aggregate classification (germline): Uncertain significance. Review status: criteria provided, multiple submitters, no conflicts (2 of 4 stars). 2 submissions from 2 submitters: Uncertain significance (2). Last evaluated 2026-04-01.

Conditions:
Inborn genetic diseases. Identifiers: MedGen C0950123, MeSH D030342.

Allele frequency attached by ClinVar (database versions not stated): gnomAD 0.00001; TOPMed 0.00001.
gnomAD v4.1: 7 of 1,614,066 alleles (0.00043%); highest among the groups gnomAD compares: African/African-American, 0.0013%; no homozygotes.

Submissions (2):

CeGaT Center for Human Genetics Tuebingen
Classification: Uncertain significance. Last evaluated: 2026-04-01. Review status: criteria provided, single submitter. Criteria: CeGaT Center For Human Genetics Tuebingen Variant Classification Criteria Version 2. Collection method: clinical testing. Allele origin: germline. Affected: yes. Observed: 1 variant allele.
Comment: RNF216: PM2, BP4

Ambry Genetics
Classification: Uncertain significance for Inborn genetic diseases. Last evaluated: 2023-02-16. Review status: criteria provided, single submitter. Criteria: Ambry Variant Classification Scheme 2023. Collection method: clinical testing. Allele origin: germline.